The following is an entry in ClinVar:

NM_000443.4(ABCB4):c.996T>C (p.Asn332=)

Gene: ABCB4 (ATP binding cassette subfamily B member 4; minus strand). Cytogenetic location: 7q21.12.
Variant type: single nucleotide variant.
Coding change: c.996T>C on transcript NM_000443.4 (MANE Select); coding-DNA position 996, T replaced by C.
Protein change: p.Asn332=; no amino-acid change (asparagine 332 retained).
Molecular consequence: synonymous variant.
Genome position (GRCh38, 1-based): chr7:87,447,043, A>G on the plus strand (T>C on the coding strand, the complement: ABCB4 is on the minus strand). VCF-style: chr7-87447043-A-G. GRCh37 (hg19) VCF-style: chr7-87076359-A-G.
Other names: c.996T>C, p.Asn332= (NM_018849.3, NM_018850.3).
Identifiers: ClinVar variation 512086 (VCV000512086.1), dbSNP rs1388323440, ClinGen allele CA456350967.

ClinVar aggregate classification (germline): Likely benign (1 of 4 stars; one submission).

Allele frequency attached by ClinVar (database versions not stated): gnomAD exomes below 0.00001; TOPMed below 0.00001; gnomAD 0.00001.
gnomAD v4.1: 4 of 1,612,978 alleles (0.00025%); highest among the groups gnomAD compares: Non-Finnish European, 0.00025%; no homozygotes.

Submission:

GeneDx
Classification: Likely benign. Last evaluated: 2017-09-19. Review status: criteria provided, single submitter. Criteria: GeneDx Variant Classification (06012015). Collection method: clinical testing. Allele origin: germline. Affected: yes.
Comment: This variant is considered likely benign or benign based on one or more of the following criteria: it is a conservative change, it occurs at a poorly conserved position in the protein, it is predicted to be benign by multiple in silico algorithms, and/or has population frequency not consistent with disease.